The following is an entry in ClinVar:

ClinVar aggregate classification (germline): Pathogenic (1 of 4 stars; one submission).

Conditions:
Intellectual developmental disorder with gastrointestinal difficulties and high pain threshold (JDVS). Also called: JANSEN-DE VRIES SYNDROME. Identifiers: Orphanet 653767, MedGen C4479517, MONDO:0044318, OMIM 617450.

Submission:

Institute of Human Genetics, FAU Erlangen, Friedrich-Alexander-Universität Erlangen-Nürnberg
Classification: Pathogenic for Intellectual developmental disorder with gastrointestinal difficulties and high pain threshold. Last evaluated: 2023-03-06. Review status: criteria provided, single submitter. Criteria: Hauer et al. (Genet Med. 2018). Collection method: clinical testing. Allele origin: germline. Inheritance: Autosomal dominant inheritance. Affected: yes. Observed: 1 variant allele.
Comment: This variant has been identified by standard clinical testing.

NM_003620.4(PPM1D):c.1288del (p.Arg429_Val430insTer)

Gene: PPM1D (protein phosphatase, Mg2+/Mn2+ dependent 1D; plus strand). Cytogenetic location: 17q23.2.
Variant type: Deletion.
Coding change: c.1288del on transcript NM_003620.4 (MANE Select); coding-DNA position 1288, one base deleted (G; older notation c.1288delG).
Protein change: p.Arg429_Val430insTer.
Molecular consequence: nonsense.
Genome position (GRCh38, 1-based): chr17:60,663,022, G deleted; the last of 3 consecutive G bases (chr17:60,663,020-60,663,022); deleting any one gives the same sequence. VCF-style (leftmost placement, unchanged base first): chr17-60663019-AG-A. GRCh37 (hg19) VCF-style: chr17-58740380-AG-A.
Identifiers: ClinVar variation 2442251 (VCV002442251.1), dbSNP rs765655972, ClinGen allele CA8687749.